The following is an entry in ClinVar:

NM_000111.3(SLC26A3):c.1416G>A (p.Trp472Ter)

Gene: SLC26A3 (solute carrier family 26 member 3; minus strand). Cytogenetic location: 7q22.3.
Variant type: single nucleotide variant.
Coding change: c.1416G>A on transcript NM_000111.3 (MANE Select); coding-DNA position 1416, G replaced by A.
Protein change: p.Trp472Ter; replaces tryptophan 472 with a stop codon.
Molecular consequence: nonsense.
Genome position (GRCh38, 1-based): chr7:107,778,273, C>T on the plus strand (G>A on the coding strand, the complement: SLC26A3 is on the minus strand). VCF-style: chr7-107778273-C-T. GRCh37 (hg19) VCF-style: chr7-107418718-C-T.
Other names: short protein forms W472*.
Identifiers: ClinVar variation 2635411 (VCV002635411.1), dbSNP rs1304534644, ClinGen allele CA368851283.

ClinVar aggregate classification (germline): Likely pathogenic (1 of 4 stars; one submission).

Conditions:
SLC26A3-related disorder. Also called: SLC26A3-related condition.

Submission:

PreventionGenetics, part of Exact Sciences
Classification: Likely pathogenic for SLC26A3-related condition. Last evaluated: 2022-11-09. Review status: criteria provided, single submitter. Criteria: ACMG Guidelines, 2015. Collection method: clinical testing. Allele origin: germline.
Comment: The SLC26A3 c.1416G>A variant is predicted to result in premature protein termination (p.Trp472*). To our knowledge, this variant has not been reported in the literature or in a large population database, indicating this variant is rare. Nonsense variants in SLC26A3 are expected to be pathogenic. This variant is interpreted as likely pathogenic.